The following is an entry in ClinVar:

ClinVar aggregate classification (germline): Uncertain significance (1 of 4 stars; one submission).

Conditions:
Fanconi anemia (FA). Also called: Fanconi's anemia. Identifiers: Orphanet 84, MedGen C0015625, MeSH D005199, MONDO:0019391.

Submission:

Labcorp Genetics (formerly Invitae), Labcorp
Classification: Uncertain significance for Fanconi anemia. Last evaluated: 2022-06-12. Review status: criteria provided, single submitter. Criteria: Invitae Variant Classification Sherloc (09022015). Collection method: clinical testing. Allele origin: germline.
Comment: In summary, the available evidence is currently insufficient to determine the role of this variant in disease. Therefore, it has been classified as a Variant of Uncertain Significance. Algorithms developed to predict the effect of missense changes on protein structure and function are either unavailable or do not agree on the potential impact of this missense change (SIFT: "Deleterious"; PolyPhen-2: "Benign"; Align-GVGD: "Class C0"). This variant has not been reported in the literature in individuals affected with FANCI-related conditions. This variant is not present in population databases (gnomAD no frequency). This sequence change replaces glutamine, which is neutral and polar, with histidine, which is basic and polar, at codon 159 of the FANCI protein (p.Gln159His).

NM_001113378.2(FANCI):c.477G>T (p.Gln159His)

Gene: FANCI (FA complementation group I; plus strand). Cytogenetic location: 15q26.1.
Variant type: single nucleotide variant.
Coding change: c.477G>T on transcript NM_001113378.2 (MANE Select); coding-DNA position 477, G replaced by T.
Protein change: p.Gln159His; replaces glutamine 159 with histidine.
Molecular consequence: missense variant.
Genome position (GRCh38, 1-based): chr15:89,261,852, G>T. VCF-style: chr15-89261852-G-T. GRCh37 (hg19) VCF-style: chr15-89805083-G-T.
Other names: c.198G>T, p.Gln66His (NM_001376910.1); c.477G>T, p.Gln159His (NM_001376911.1, NM_018193.3); short protein forms Q159H, Q66H.
Identifiers: ClinVar variation 2005247 (VCV002005247.4), dbSNP rs2505911721, ClinGen allele CA393738565.
Genomic context (GRCh38, chr15:89,261,852, plus strand): 5'-TCATTGCTCAGTATATTTTGCATTTCTAGGTGTACTGAGTGGGGAAGAATGTAAGAAACA[G>T]TTGATTAACACCCTGTGTTCTGGCAGGTGAGTCTTGTTAATATGTATAACTTTCTTAGGA-3'
Protein context (NP_001106849.1, residues 149-169): GVLSGEECKK[Gln159His]LINTLCSGRW